The following is an entry in ClinVar:

NM_001166108.2(PALLD):c.1965-12679C>T

Gene: PALLD (palladin, cytoskeletal associated protein; plus strand). Cytogenetic location: 4q32.3.
Variant type: single nucleotide variant.
Coding change: c.1965-12679C>T on transcript NM_001166108.2 (MANE Select); 12679 bases into the intron before coding-DNA position 1965, C replaced by T.
Molecular consequence: intron variant. On other transcripts: missense variant (1).
Genome position (GRCh38, 1-based): chr4:168,878,243, C>T. VCF-style: chr4-168878243-C-T. GRCh37 (hg19) VCF-style: chr4-169799394-C-T.
Other names: c.352C>T, p.Pro118Ser (NM_001166110.2); c.1965-12679C>T (NM_016081.4); c.819-12679C>T (NM_001166109.2); c.-157-12679C>T (NM_001367570.1, NM_001367568.1, NM_001367567.1 and 1 more transcripts); short protein forms P118S.
Identifiers: ClinVar variation 4564195 (VCV004564195.1).
Genomic context (GRCh38, chr4:168,878,243, plus strand): 5'-CCCACGGCTGCCTTCCCGGTGCCCGACGTGTTCCCACTGCCGCCGCCACCACCGCCGCTC[C>T]CGAGCCCGGGACAGGCGTCCCACTGCTCGTCGCCTGCCACCCGCTTCGGCCACAGCCAGA-3'

ClinVar aggregate classification (germline): Uncertain significance (1 of 4 stars; one submission).

Submission:

Ambry Genetics
Classification: Uncertain significance. Last evaluated: 2025-11-29. Review status: criteria provided, single submitter. Criteria: Ambry Variant Classification Scheme 2023. Collection method: clinical testing. Allele origin: germline.
Comment: The p.P118S variant (also known as c.352C>T), located in coding exon 1 of the PALLD gene, results from a C to T substitution at nucleotide position 352. The proline at codon 118 is replaced by serine, an amino acid with similar properties. This amino acid position is conserved. In addition, this alteration is predicted to be tolerated by in silico analysis. Based on the available evidence, the clinical significance of this variant remains unclear.